The following is an entry in ClinVar:

NM_024105.4(ALG12):c.1057G>A (p.Val353Met)

Gene: ALG12 (ALG12 alpha-1,6-mannosyltransferase; minus strand). Cytogenetic location: 22q13.33.
Variant type: single nucleotide variant.
Coding change: c.1057G>A on transcript NM_024105.4 (MANE Select); coding-DNA position 1057, G replaced by A.
Protein change: p.Val353Met; replaces valine 353 with methionine.
Molecular consequence: missense variant.
Genome position (GRCh38, 1-based): chr22:49,904,442, C>T on the plus strand (G>A on the coding strand, the complement: ALG12 is on the minus strand). VCF-style: chr22-49904442-C-T. GRCh37 (hg19) VCF-style: chr22-50298090-C-T.
Other names: c.1057G>A (NM_024105.3); short protein forms V353M.
Identifiers: ClinVar variation 1351533 (VCV001351533.5), dbSNP rs374327138, ClinGen allele CA10300354.

ClinVar aggregate classification (germline): Uncertain significance. Review status: criteria provided, multiple submitters, no conflicts (2 of 4 stars). 2 submissions from 2 submitters: Uncertain significance (2). Last evaluated 2025-06-12.

Conditions:
Inborn genetic diseases. Identifiers: MedGen C0950123, MeSH D030342.
ALG12-congenital disorder of glycosylation (CDG1G). Also called: CDG Ig; ALG12-CDG; Congenital disorder of glycosylation, type Ig. Identifiers: Orphanet 79324, MedGen C2931001, MONDO:0011783, OMIM 607143.

Allele frequency attached by ClinVar (database versions not stated): gnomAD exomes 0.00002 and 0.00005; ExAC 0.00007; ESP Exome Variant Server 0.00008; gnomAD 0.00016; TOPMed 0.00021.
gnomAD v4.1: 63 of 1,614,176 alleles (0.0039%); highest among the groups gnomAD compares: African/African-American, 0.064%; no homozygotes.

Submissions (2):

Ambry Genetics
Classification: Uncertain significance for Inborn genetic diseases. Last evaluated: 2025-06-12. Review status: criteria provided, single submitter. Criteria: Ambry Variant Classification Scheme 2023. Collection method: clinical testing. Allele origin: germline.

Labcorp Genetics (formerly Invitae), Labcorp
Classification: Uncertain significance for ALG12-congenital disorder of glycosylation. Last evaluated: 2024-02-24. Review status: criteria provided, single submitter. Criteria: Invitae Variant Classification Sherloc (09022015). Collection method: clinical testing. Allele origin: germline.
Comment: This sequence change replaces valine, which is neutral and non-polar, with methionine, which is neutral and non-polar, at codon 353 of the ALG12 protein (p.Val353Met). This variant is present in population databases (rs374327138, gnomAD 0.06%). This variant has not been reported in the literature in individuals affected with ALG12-related conditions. ClinVar contains an entry for this variant (Variation ID: 1351533). Advanced modeling of protein sequence and biophysical properties (such as structural, functional, and spatial information, amino acid conservation, physicochemical variation, residue mobility, and thermodynamic stability) performed at Invitae indicates that this missense variant is not expected to disrupt ALG12 protein function with a negative predictive value of 80%. In summary, the available evidence is currently insufficient to determine the role of this variant in disease. Therefore, it has been classified as a Variant of Uncertain Significance.